The following is an entry in ClinVar:

NM_001040108.2(MLH3):c.3294G>C (p.Arg1098Ser)

Gene: MLH3 (mutL homolog 3; minus strand). Cytogenetic location: 14q24.3.
Variant type: single nucleotide variant.
Coding change: c.3294G>C on transcript NM_001040108.2 (MANE Select); coding-DNA position 3294, G replaced by C.
Protein change: p.Arg1098Ser; replaces arginine 1098 with serine.
Molecular consequence: missense variant.
Genome position (GRCh38, 1-based): chr14:75,042,464, C>G on the plus strand (G>C on the coding strand, the complement: MLH3 is on the minus strand). VCF-style: chr14-75042464-C-G. GRCh37 (hg19) VCF-style: chr14-75509167-C-G.
Other names: c.3294G>C, p.Arg1098Ser (NM_014381.3); short protein forms R1098S.
Identifiers: ClinVar variation 1729874 (VCV001729874.8), dbSNP rs1060503068, ClinGen allele CA390432039.
Genomic context (GRCh38, chr14:75,042,464, plus strand): 5'-CCTCTCTGCTCGAGCTCTCGGAAGGAAAGGAAGAACAAGGTCGCTTCTAAAAGGTTGACA[C>G]CTGTACTGAGACCCTAAATATAAGAAAGAAAAACCTAGAAATGTGAACTTAAAATACAAG-3'
Protein context (NP_001035197.1, residues 1088-1108): DVVLENGSQY[Arg1098Ser]CQPFRSDLVL

ClinVar aggregate classification (germline): Uncertain significance. Review status: criteria provided, multiple submitters, no conflicts (2 of 4 stars). 2 submissions from 2 submitters: Uncertain significance (2). Last evaluated 2024-12-16.

Conditions:
Colorectal cancer, hereditary nonpolyposis, type 7. Identifiers: Orphanet 144, MedGen C1858380, MONDO:0013725, OMIM 614385.

gnomAD v4.1: 4 of 1,613,364 alleles (0.00025%); highest among the groups gnomAD compares: African/African-American, 0.004%; no homozygotes.

Submissions (2):

Ambry Genetics
Classification: Uncertain significance. Last evaluated: 2024-12-16. Review status: criteria provided, single submitter. Criteria: Ambry Variant Classification Scheme 2023. Collection method: clinical testing. Allele origin: germline.
Comment: The p.R1098S variant (also known as c.3294G>C), located in coding exon 2 of the MLH3 gene, results from a G to C substitution at nucleotide position 3294. The arginine at codon 1098 is replaced by serine, an amino acid with dissimilar properties. This amino acid position is conserved. In addition, the in silico prediction for this alteration is inconclusive. Since supporting evidence is limited at this time, the clinical significance of this alteration remains unclear.

Labcorp Genetics (formerly Invitae), Labcorp
Classification: Uncertain significance for Colorectal cancer, hereditary nonpolyposis, type 7. Last evaluated: 2022-08-02. Review status: criteria provided, single submitter. Criteria: Invitae Variant Classification Sherloc (09022015). Collection method: clinical testing. Allele origin: germline.
Comment: This sequence change replaces arginine, which is basic and polar, with serine, which is neutral and polar, at codon 1098 of the MLH3 protein (p.Arg1098Ser). This variant is not present in population databases (gnomAD no frequency). This variant has not been reported in the literature in individuals affected with MLH3-related conditions. Algorithms developed to predict the effect of missense changes on protein structure and function are either unavailable or do not agree on the potential impact of this missense change (SIFT: "Deleterious"; PolyPhen-2: "Possibly Damaging"; Align-GVGD: "Class C0"). In summary, the available evidence is currently insufficient to determine the role of this variant in disease. Therefore, it has been classified as a Variant of Uncertain Significance.